The following is an entry in ClinVar:

ClinVar aggregate classification (germline): Uncertain significance. Review status: criteria provided, multiple submitters, no conflicts (2 of 4 stars). 2 submissions from 2 submitters: Uncertain significance (2). Last evaluated 2024-02-09.

Conditions:
Familial sleep-related hypermotor epilepsy. Also called: Autosomal Dominant Sleep-Related Hypermotor (Hyperkinetic) Epilepsy. Identifiers: Orphanet 98784, MedGen C3696898, MONDO:0000030.

Submissions (2):

Women's Health and Genetics/Laboratory Corporation of America, LabCorp
Classification: Uncertain significance. Last evaluated: 2024-02-09. Review status: criteria provided, single submitter. Criteria: LabCorp Variant Classification Summary - May 2015. Collection method: clinical testing. Allele origin: germline.
Comment: Variant summary: CHRNA4 c.800T>G (p.Leu267Arg) results in a non-conservative amino acid change located in the Neurotransmitter-gated ion-channel transmembrane domain (IPR006029) of the encoded protein sequence. Five of five in-silico tools predict a damaging effect of the variant on protein function. The variant was absent in 251034 control chromosomes. The available data on variant occurrences in the general population are insufficient to allow any conclusion about variant significance. To our knowledge, no occurrence of c.800T>G in individuals affected with Epilepsy, Nocturnal Frontal Lobe, Type 1 and no experimental evidence demonstrating its impact on protein function have been reported. ClinVar contains an entry for this variant (Variation ID: 1044796). Based on the evidence outlined above, the variant was classified as uncertain significance.

Labcorp Genetics (formerly Invitae), Labcorp
Classification: Uncertain significance. Last evaluated: 2022-08-16. Review status: criteria provided, single submitter. Criteria: Invitae Variant Classification Sherloc (09022015). Collection method: clinical testing. Allele origin: germline.
Comment: This sequence change replaces leucine, which is neutral and non-polar, with arginine, which is basic and polar, at codon 267 of the CHRNA4 protein (p.Leu267Arg). This variant is not present in population databases (gnomAD no frequency). In summary, the available evidence is currently insufficient to determine the role of this variant in disease. Therefore, it has been classified as a Variant of Uncertain Significance. Algorithms developed to predict the effect of missense changes on protein structure and function are either unavailable or do not agree on the potential impact of this missense change (SIFT: "Deleterious"; PolyPhen-2: "Probably Damaging"; Align-GVGD: "Class C0"). ClinVar contains an entry for this variant (Variation ID: 1044796). This variant has not been reported in the literature in individuals affected with CHRNA4-related conditions.

NM_000744.7(CHRNA4):c.800T>G (p.Leu267Arg)

Gene: CHRNA4 (cholinergic receptor nicotinic alpha 4 subunit; minus strand). Cytogenetic location: 20q13.33.
Variant type: single nucleotide variant.
Coding change: c.800T>G on transcript NM_000744.7 (MANE Select); coding-DNA position 800, T replaced by G.
Protein change: p.Leu267Arg; replaces leucine 267 with arginine.
Molecular consequence: missense variant. On other transcripts: non-coding transcript variant (1).
Genome position (GRCh38, 1-based): chr20:63,350,611, A>C on the plus strand (T>G on the coding strand, the complement: CHRNA4 is on the minus strand). VCF-style: chr20-63350611-A-C. GRCh37 (hg19) VCF-style: chr20-61981963-A-C.
Other names: c.272T>G, p.Leu91Arg (NM_001256573.2); short protein forms L91R, L267R.
Identifiers: ClinVar variation 1044796 (VCV001044796.10), dbSNP rs2068579508, ClinGen allele CA409636686.